The following is an entry in ClinVar:

ClinVar aggregate classification (germline): Conflicting classifications of pathogenicity. Review status: criteria provided, conflicting classifications (1 of 4 stars). 3 submissions from 3 submitters: Uncertain significance (1); Likely benign (2). Last evaluated 2026-08-14.

Conditions:
RAI1-related disorder. Also called: RAI1-related condition.
Inborn genetic diseases. Identifiers: MedGen C0950123, MeSH D030342.

Allele frequency attached by ClinVar (database versions not stated): gnomAD 0.00002; gnomAD exomes 0.00002; TOPMed 0.00002; ExAC 0.00003.

Submissions (3):

PreventionGenetics, part of Exact Sciences
Classification: Uncertain significance for RAI1-related condition. Last evaluated: 2026-08-14. Review status: criteria provided, single submitter. Criteria: ACMG Guidelines, 2015. Collection method: clinical testing. Allele origin: germline.
Comment: The RAI1 c.488A>G variant is predicted to result in the amino acid substitution p.Gln163Arg. To our knowledge, this variant has not been reported in the literature. This variant is reported in 0.0047% of alleles in individuals of European (Non-Finnish) descent in gnomAD. At this time, the clinical significance of this variant is uncertain due to the absence of conclusive functional and genetic evidence.

Labcorp Genetics (formerly Invitae), Labcorp
Classification: Likely benign. Last evaluated: 2025-09-24. Review status: criteria provided, single submitter. Criteria: Invitae Variant Classification Sherloc (09022015). Collection method: clinical testing. Allele origin: germline.

Ambry Genetics
Classification: Likely benign for Inborn genetic diseases. Last evaluated: 2023-08-28. Review status: criteria provided, single submitter. Criteria: Ambry Variant Classification Scheme 2023. Collection method: clinical testing. Allele origin: germline.

NM_030665.4(RAI1):c.488A>G (p.Gln163Arg)

Gene: RAI1 (retinoic acid induced 1; plus strand). Cytogenetic location: 17p11.2.
Variant type: single nucleotide variant.
Coding change: c.488A>G on transcript NM_030665.4 (MANE Select); coding-DNA position 488, A replaced by G.
Protein change: p.Gln163Arg; replaces glutamine 163 with arginine.
Molecular consequence: missense variant.
Genome position (GRCh38, 1-based): chr17:17,793,436, A>G. VCF-style: chr17-17793436-A-G. GRCh37 (hg19) VCF-style: chr17-17696750-A-G.
Other names: c.488A>G (NM_030665.3); short protein forms Q163R.
Identifiers: ClinVar variation 2078483 (VCV002078483.7), dbSNP rs770142096, ClinGen allele CA8418134.